The following is an entry in ClinVar:

NM_024529.5(CDC73):c.1418-1_1420del

Gene: CDC73 (cell division cycle 73; plus strand). Cytogenetic location: 1q31.2.
Variant type: Deletion.
Coding change: c.1418-1_1420del on transcript NM_024529.5 (MANE Select); the canonical splice acceptor site of the intron before coding-DNA position 1418 through coding-DNA position 1420, 4 bases deleted (GTTA; older notation c.1418-1_1420delGTTA).
Molecular consequence: splice acceptor variant.
Genome position (GRCh38, 1-based): chr1:193,249,729-193,249,732, GTTA deleted; deleting any 4 consecutive bases within chr1:193,249,727-193,249,732 gives the same sequence; the c. name uses the placement nearest the transcript's 3' end. VCF-style (leftmost placement, unchanged base first): chr1-193249726-ATAGT-A. GRCh37 (hg19) VCF-style: chr1-193218856-ATAGT-A.
Identifiers: ClinVar variation 3488536 (VCV003488536.1).

ClinVar aggregate classification (germline): Uncertain significance (1 of 4 stars; one submission).

Conditions:
Hereditary cancer-predisposing syndrome. Also called: Tumor predisposition; Neoplastic Syndromes, Hereditary; Hereditary Cancer Syndrome; Hereditary neoplastic syndrome. Identifiers: Orphanet 140162, MedGen C0027672, MeSH D009386, MONDO:0015356.

Submission:

Ambry Genetics
Classification: Uncertain significance for Hereditary cancer-predisposing syndrome. Last evaluated: 2024-11-27. Review status: criteria provided, single submitter. Criteria: Ambry Variant Classification Scheme 2023. Collection method: clinical testing. Allele origin: germline.
Comment: The c.1418-1_1420delGTTA variant results from a deletion of 4 nucleotides between positions c.1418-1 and c.1420 and involves the canonical splice acceptor site before coding exon 16 of the CDC73 gene. Alterations that disrupt the canonical splice site are expected to result in aberrant splicing. In silico splice site analysis predicts that this alteration will weaken the native splice acceptor site and will result in the creation or strengthening of a novel splice acceptor site; however, the exact impact of this deletion on CDC73 splicing and function is currently unknown. This nucleotide region is highly conserved through mammals. Based on the available evidence, the clinical significance of this variant remains unclear.